The following continues an entry in ClinVar:

NM_005633.4(SOS1):c.806T>C (p.Met269Thr)

Gene: SOS1. ClinVar aggregate classification (germline): Pathogenic. Pathogenic (1).

Submissions 8 to 21 of 21:

Molecular Genetics, Royal Melbourne Hospital
Classification: Pathogenic for Noonan syndrome. Last evaluated: 2023-03-30. Review status: criteria provided, single submitter. Criteria: ACMG Guidelines, 2015. Collection method: clinical testing. Allele origin: germline. Affected: yes. Not counted in ClinVar's aggregate classification.
Comment: This sequence change in SOS1 is predicted to replace methionine with threonine at codon 269, p.(Met269Thr). The methionine residue is highly conserved (99/99 vertebrates, UCSC), and is located in Dbl homology domain. Met269 is a critical residue and is defined as a mutational hotspot (PMID: 29493581). There is a moderate physicochemical difference between methionine and threonine. This variant is absent from the population database gnomAD v2.1 and v3.1. This variant has been reported in multiple probands with a clinical diagnosis of Noonan syndrome, identified as a de novo occurrence with confirmed parental relationships in at least one individual and as a de novo occurrence with unconfirmed parental relationships in at least one individual (PMID: 17586837, 19020799, 1995362, 20683980, 21387466). Multiple lines of computational evidence predict a deleterious effect for the missense substitution (5/6 algorithms). Based on the classification scheme RMH Modified ACMG Guidelines v1.5.1, this variant is classified as PATHOGENIC. Following criteria are met: PS2/PM6_Strong, PS4, PM1, PM2_Supporting, PP3.

Ambry Genetics
Classification: Pathogenic for Cardiovascular phenotype. Last evaluated: 2022-11-09. Review status: criteria provided, single submitter. Criteria: Ambry Variant Classification Scheme 2023. Collection method: clinical testing. Allele origin: germline. Not counted in ClinVar's aggregate classification.
Comment: The p.M269T pathogenic mutation (also known as c.806T>C), located in coding exon 6 of the SOS1 gene, results from a T to C substitution at nucleotide position 806. The methionine at codon 269 is replaced by threonine, an amino acid with similar properties. This mutation was identified in multiple individuals with Noonan syndrome, including several de novo occurrences (Zenker M et al. J Med Genet. 2007 Oct;44:651-6; Ko JM et al. J Hum Genet. 2008 Nov;53:999-1006; Denayer E et al. Genes Chromosomes Cancer. 2010 Mar;49:242-52; Longoni M et al. Am J Med Genet A. 2010 Sep;152A:2176-84; Lepri F et al. Hum Mutat. 2011 Jul;32:760-72). This variant is considered to be rare based on population cohorts in the Genome Aggregation Database (gnomAD). In addition, this alteration is predicted to be deleterious by in silico analysis. Based on the supporting evidence, this alteration is interpreted as a disease-causing mutation.

Foundation for Research in Genetics and Endocrinology, FRIGE's Institute of Human Genetics
Classification: Pathogenic for Noonan syndrome 4. Last evaluated: 2022-02-16. Review status: criteria provided, single submitter. Criteria: ACMG Guidelines, 2015. Collection method: clinical testing. Allele origin: germline. Inheritance: Autosomal dominant inheritance. Affected: yes. Not counted in ClinVar's aggregate classification.
Comment: A heterozygous missense variation in exon 6 of the SOS1 gene (chr2:g.39051202A>C;) that result in the amino acid substitution of Arginine for Methionine at codon 269 (p.Met269Arg; ENST00000402219.8) was detected. thep.Met269Arg variant has not been reported in the 1000 genomes, gnomAD and our internal databases. the in silico predictions of the variant are possibly damaging by PolyPhen-2 (HumDiv) and damaging by SIFT, LRT AND Mutation Taster2. the reference codon is conserved across species.

GeneDx
Classification: Pathogenic. Last evaluated: 2021-12-28. Review status: criteria provided, single submitter. Criteria: GeneDx Variant Classification Process June 2021. Collection method: clinical testing. Allele origin: germline. Affected: yes. Not counted in ClinVar's aggregate classification.
Comment: Not observed at significant frequency in large population cohorts (Lek et al., 2016); In silico analysis supports that this missense variant has a deleterious effect on protein structure/function; The majority of missense variants in this gene are considered pathogenic; This variant is associated with the following publications: (PMID: 19953625, 31560489, 30417923, 20683980, 24803665, 19020799, 21387466, 26280111, 17586837, 29037749, 31589614, 33300679, 29493581, 17143282, 20648242, 12628188)

Revvity Omics, Revvity
Classification: Pathogenic. Last evaluated: 2021-07-26. Review status: criteria provided, single submitter. Criteria: ACMG Guidelines, 2015. Collection method: clinical testing. Allele origin: germline. Not counted in ClinVar's aggregate classification.

Genome Diagnostics Laboratory, The Hospital for Sick Children
Classification: Pathogenic for Noonan syndrome and Noonan-related syndrome. Last evaluated: 2021-02-25. Review status: criteria provided, single submitter. Criteria: ACMG Guidelines, 2015. Collection method: clinical testing. Allele origin: germline. Affected: yes. Not counted in ClinVar's aggregate classification.

Institute of Medical Genetics and Applied Genomics, University Hospital Tübingen
Classification: Pathogenic. Last evaluated: 2020-10-23. Review status: criteria provided, single submitter. Criteria: ACMG Guidelines, 2015. Collection method: clinical testing. Allele origin: germline. Inheritance: Unknown mechanism. Affected: yes. Not counted in ClinVar's aggregate classification.

Women's Health and Genetics/Laboratory Corporation of America, LabCorp
Classification: Pathogenic for Rasopathy. Last evaluated: 2019-11-18. Review status: criteria provided, single submitter. Criteria: LabCorp Variant Classification Summary - May 2015. Collection method: clinical testing. Allele origin: germline. Not counted in ClinVar's aggregate classification.
Comment: Variant summary: SOS1 c.806T>C (p.Met269Thr) results in a non-conservative amino acid change located in the Dbl homology (DH) domain (IPR000219) of the encoded protein sequence. Four of five in-silico tools predict a damaging effect of the variant on protein function. The variant was absent in 251358 control chromosomes (gnomAD). c.806T>C has been reported in the literature in multiple individuals affected with Noonan Syndrome, often observed as a de novo variant (e.g. Baldassarre_2011, Denayer_2010, Longoni_2010, Koh_2019). These data indicate that the variant is very likely to be associated with disease. Nine ClinVar submitters including ClinGen RASopathy Variant Curation Expert Panel (evaluation after 2014) cite the variant as pathogenic. Based on the evidence outlined above, the variant was classified as pathogenic.

GenePathDx, GenePath diagnostics
Classification: Pathogenic for Noonan syndrome. Last evaluated: 2016-10-01. Review status: criteria provided, single submitter. Criteria: GenePathDx_Criteria_classificationV2. Collection method: clinical testing. Allele origin: germline. Inheritance: Autosomal dominant inheritance. Affected: yes. Observed: 1 variant allele. Not counted in ClinVar's aggregate classification.
Comment: Next generation DNA sequencing of peripheral blood sample has revealed the presence of a pathogenic variant NM_005633.3(SOS1):c.806T>C in the SOS1 gene in heterozygous state.

Molecular Diagnostics Lab, Nemours Children's Health, Delaware
Classification: Pathogenic. Last evaluated: 2015-07-21. Review status: criteria provided, single submitter. Criteria: ACMG Guidelines, 2015. Collection method: clinical testing. Allele origin: unknown. Affected: yes. Observed: 2 variant alleles. Not counted in ClinVar's aggregate classification.

Laboratory for Molecular Medicine, Mass General Brigham Personalized Medicine
Classification: Pathogenic for Noonan syndrome. Last evaluated: 2015-04-27. Review status: criteria provided, single submitter. Criteria: LMM Criteria. Collection method: clinical testing. Allele origin: germline. Inheritance: Autosomal dominant inheritance. Observed: 4 variant alleles. Not counted in ClinVar's aggregate classification.
Comment: The p.Met269Thr variant has been reported in >10 individuals with clinical featu res of Noonan syndrome (Ko 2008, Longoni 2010, Denayer 2010, Lepri 2011, Zenker 2007; LMM unpublished data). In three of these probands, the variant occurred de novo (Zenker 2007, Denayer 2010, Longoni 2010). It was absent from large popula tion studies. In summary, this variant meets our criteria to be classified as pa thogenic for Noonan syndrome in an autosomal dominant manner (s.org/personalizedmedicine/LMM) based upon absence from controls and de novo occ urrences.

Kasturba Medical College, Manipal, Kasturba Medical College, Manipal, Manipal Academy of Higher Education, Manipal, India
Classification: Pathogenic for Noonan syndrome 4. Review status: criteria provided, single submitter. Criteria: ACMG Guidelines, 2015. Collection method: clinical testing. Allele origin: de novo. Inheritance: Autosomal dominant inheritance. Affected: yes. Observed: 1 heterozygote. Not counted in ClinVar's aggregate classification.

Greenwood Genetic Center Diagnostic Laboratories, Greenwood Genetic Center
Classification: Pathogenic. Last evaluated: 2015-01-15. Review status: no assertion criteria provided. Collection method: clinical testing. Allele origin: germline. Not counted in ClinVar's aggregate classification.

Division of Human Genetics, National Health Laboratory Service/University of the Witwatersrand
Classification: Pathogenic for Noonan syndrome 1. Review status: no assertion criteria provided. Collection method: research. Allele origin: unknown. Affected: yes. Observed: 1 variant allele. Not counted in ClinVar's aggregate classification.

Literature cited by the submitters: PubMed 17586837 (cited by 7 submitters); PubMed 20683980 (cited by 8 submitters); PubMed 19953625 (cited by 7 submitters); PubMed 17143285 (cited by Victorian Clinical Genetics Services, Murdoch Childrens Research Institute); PubMed 21387466 (cited by 7 submitters); PubMed 17143282 (cited by Labcorp Genetics (formerly Invitae), Labcorp and 3billion); PubMed 30784236 (cited by Dasa and Women's Health and Genetics/Laboratory Corporation of America, LabCorp); PubMed 23885229 (cited by Dasa and Women's Health and Genetics/Laboratory Corporation of America, LabCorp); PubMed 19020799 (cited by 6 submitters); PubMed 1995362 (cited by Molecular Genetics, Royal Melbourne Hospital); PubMed 29493581 (cited by Molecular Genetics, Royal Melbourne Hospital); PubMed 26280111 (cited by Ambry Genetics); PubMed 22465605 (cited by Women's Health and Genetics/Laboratory Corporation of America, LabCorp); PubMed 23756559 (cited by Women's Health and Genetics/Laboratory Corporation of America, LabCorp); PubMed 21744363 (cited by Women's Health and Genetics/Laboratory Corporation of America, LabCorp).